The following is an entry in ClinVar:

ClinVar aggregate classification (germline): Benign/Likely benign. Review status: criteria provided, multiple submitters, no conflicts (2 of 4 stars). 5 submissions from 5 submitters: Benign (2); Likely benign (3). Last evaluated 2025-12-31.

Conditions:
Emery-Dreifuss muscular dystrophy 5, autosomal dominant (EDMD5). Also called: EMERY-DREIFUSS MUSCULAR DYSTROPHY 5. Identifiers: Orphanet 261, MedGen C2751805, MONDO:0013072, OMIM 612999.

Allele frequency attached by ClinVar (database versions not stated): gnomAD exomes 0.00028 and 0.00056; 1000 Genomes Project 30x 0.00031; TOPMed 0.00041; ESP Exome Variant Server 0.00059; 1000 Genomes Project 0.00020; gnomAD 0.00025 and 0.00026.
gnomAD v4.1: 474 of 1,611,846 alleles (0.029%); highest among the groups gnomAD compares: Middle Eastern, 0.48%; 3 homozygotes.

Submissions (5):

Labcorp Genetics (formerly Invitae), Labcorp
Classification: Benign for Emery-Dreifuss muscular dystrophy 5, autosomal dominant. Last evaluated: 2025-12-31. Review status: criteria provided, single submitter. Criteria: Invitae Variant Classification Sherloc (09022015). Collection method: clinical testing. Allele origin: germline.

CeGaT Center for Human Genetics Tuebingen
Classification: Likely benign. Last evaluated: 2024-10-01. Review status: criteria provided, single submitter. Criteria: CeGaT Center For Human Genetics Tuebingen Variant Classification Criteria Version 2. Collection method: clinical testing. Allele origin: germline. Affected: yes. Observed: 2 variant alleles.
Comment: SYNE2: BP4, BS1

Illumina Laboratory Services, Illumina
Classification: Benign for Emery-Dreifuss muscular dystrophy 5, autosomal dominant. Last evaluated: 2018-01-13. Review status: criteria provided, single submitter. Criteria: ICSL Variant Classification Criteria 13 December 2019. Collection method: clinical testing. Allele origin: germline.
Comment: This variant was observed in the ICSL laboratory as part of a predisposition screen in an ostensibly healthy population. It had not been previously curated by ICSL or reported in the Human Gene Mutation Database (HGMD: prior to June 1st, 2018), and was therefore a candidate for classification through an automated scoring system. Utilizing variant allele frequency, disease prevalence and penetrance estimates, and inheritance mode, an automated score was calculated to assess if this variant is too frequent to cause the disease. Based on the score and internal cut-off values, a variant classified as benign is not then subjected to further curation. The score for this variant resulted in a classification of benign for this disease.

Eurofins Ntd Llc (ga)
Classification: Likely benign. Last evaluated: 2016-03-17. Review status: criteria provided, single submitter. Criteria: EGL Classification Definitions 2015. Collection method: clinical testing. Allele origin: germline. Observed: 3 variant alleles, 3 heterozygotes.

Breakthrough Genomics
Classification: Likely benign. Review status: criteria provided, single submitter. Criteria: ACMG Guidelines, 2015. Collection method: not provided. Allele origin: germline. Inheritance: Autosomal dominant inheritance. Affected: yes.

NM_182914.3(SYNE2):c.6714+6G>T

Gene: SYNE2 (spectrin repeat containing nuclear envelope protein 2; plus strand). Cytogenetic location: 14q23.2.
Variant type: single nucleotide variant.
Coding change: c.6714+6G>T on transcript NM_182914.3 (MANE Select); 6 bases into the intron after coding-DNA position 6714, G replaced by T.
Molecular consequence: intron variant.
Genome position (GRCh38, 1-based): chr14:64,027,799, G>T. VCF-style: chr14-64027799-G-T. GRCh37 (hg19) VCF-style: chr14-64494517-G-T.
Other names: c.6714+6G>T (NM_015180.6).
Identifiers: ClinVar variation 285944 (VCV000285944.36), dbSNP rs191541575, ClinGen allele CA7220750.